The following is an entry in ClinVar:

NM_000204.5(CFI):c.1532C>T (p.Ala511Val)

Gene: CFI (complement factor I; minus strand). Cytogenetic location: 4q25.
Variant type: single nucleotide variant.
Coding change: c.1532C>T on transcript NM_000204.5 (MANE Select); coding-DNA position 1532, C replaced by T.
Protein change: p.Ala511Val; replaces alanine 511 with valine.
Molecular consequence: missense variant. On other transcripts: non-coding transcript variant (3).
Genome position (GRCh38, 1-based): chr4:109,742,493, G>A on the plus strand (C>T on the coding strand, the complement: CFI is on the minus strand). VCF-style: chr4-109742493-G-A. GRCh37 (hg19) VCF-style: chr4-110663649-G-A.
Other names: c.1532C>T (NM_000204.3); c.1556C>T, p.Ala519Val (NM_001318057.2, NM_001375278.1); c.1511C>T, p.Ala504Val (NM_001331035.2, NM_001375280.1, NM_001375282.1); c.1532C>T, p.Ala511Val (NM_001375279.1, NM_001375281.1); c.1475C>T, p.Ala492Val (NM_001375283.1); c.923C>T, p.Ala308Val (NM_001375284.1); short protein forms A511V, A519V, A504V, A308V, A492V.
Identifiers: ClinVar variation 625917 (VCV000625917.12), dbSNP rs760801046, ClinGen allele CA3041880.
Genomic context (GRCh38, chr4:109,742,493, plus strand): 5'-TGTTTGATAGGGGAAATACATACATCTTGACATCTTGGATAAACCACTTGGCACTTACCT[G>A]CACATTCCATTTCTTTTTCATAGAAACGATTTCCGTAAAACTTAGAGCAGTTGCTTATTA-3'
Protein context (NP_000195.3, residues 501-521): NRFYEKEMEC[Ala511Val]GTYDGSIDAC

ClinVar aggregate classification (germline): Uncertain significance. Review status: criteria provided, multiple submitters, no conflicts (2 of 4 stars). 5 submissions from 4 submitters: Uncertain significance (5). Last evaluated 2025-01-21.

Conditions:
Inborn genetic diseases. Identifiers: MedGen C0950123, MeSH D030342.
Atypical hemolytic-uremic syndrome with I factor anomaly. Also called: HEMOLYTIC UREMIC SYNDROME, ATYPICAL, SUSCEPTIBILITY TO, 3; AHUS, SUSCEPTIBILITY TO, 3. Identifiers: Orphanet 2134, MedGen C2752039, MONDO:0013041, OMIM 612923.
Age related macular degeneration 13. Identifiers: MedGen C3809523, MONDO:0014189, OMIM 615439.
Factor I deficiency (CFID). Also called: Complement factor I deficiency. Identifiers: Orphanet 200418, MedGen C3463916, MONDO:0012594, OMIM 610984.
Afibrinogenemia. Identifiers: Orphanet 200418, MedGen C0001733, MeSH D000347, HP:0034287.

Allele frequency attached by ClinVar (database versions not stated): ExAC 0.00001; gnomAD exomes 0.00001 and 0.00004; TOPMed 0.00002.
gnomAD v4.1: 16 of 1,601,732 alleles (0.001%); highest among the groups gnomAD compares: Admixed American, 0.022%; no homozygotes.

Submissions (5):

Labcorp Genetics (formerly Invitae), Labcorp
Classification: Uncertain significance. Last evaluated: 2025-01-21. Review status: criteria provided, single submitter. Criteria: Invitae Variant Classification Sherloc (09022015). Collection method: clinical testing. Allele origin: germline.
Comment: This sequence change replaces alanine, which is neutral and non-polar, with valine, which is neutral and non-polar, at codon 511 of the CFI protein (p.Ala511Val). This variant is present in population databases (rs760801046, gnomAD 0.03%). This variant has not been reported in the literature in individuals affected with CFI-related conditions. ClinVar contains an entry for this variant (Variation ID: 625917). An algorithm developed to predict the effect of missense changes on protein structure and function (PolyPhen-2) suggests that this variant is likely to be disruptive. In summary, the available evidence is currently insufficient to determine the role of this variant in disease. Therefore, it has been classified as a Variant of Uncertain Significance.

Ambry Genetics
Classification: Uncertain significance for Inborn genetic diseases. Last evaluated: 2024-09-09. Review status: criteria provided, single submitter. Criteria: Ambry Variant Classification Scheme 2023. Collection method: clinical testing. Allele origin: germline.

Fulgent Genetics
Classification: Uncertain significance for Factor I deficiency; Atypical hemolytic-uremic syndrome with I factor anomaly; Age related macular degeneration 13. Last evaluated: 2024-06-18. Review status: criteria provided, single submitter. Criteria: ACMG Guidelines, 2015. Collection method: clinical testing. Allele origin: germline.

Center for Genomics, Ann and Robert H. Lurie Children's Hospital of Chicago
Classification: Uncertain significance for Atypical hemolytic-uremic syndrome with I factor anomaly; Age related macular degeneration 13; Factor I deficiency. Last evaluated: 2021-03-30. Review status: criteria provided, single submitter. Criteria: ACMG Guidelines, 2015. Collection method: clinical testing. Allele origin: germline.
Comment: CFI NM_000204.4 exon 12 p.Ala511Val (c.1532C>T): This variant has not been reported in the literature, but it is present in 9/33514 Latino alleles in the Genome Aggregation Database. Evolutionary conservation and computational predictive tools suggest that this variant may impact the protein. In summary, the data on this variant are insufficient for disease classification. Therefore, the clinical significance of this variant is uncertain.

Center for Genomics, Ann and Robert H. Lurie Children's Hospital of Chicago
Classification: Uncertain significance for Factor I deficiency; Atypical hemolytic-uremic syndrome with I factor anomaly; Age related macular degeneration 13. Last evaluated: 2018-07-31. Review status: criteria provided, single submitter. Criteria: ACMG Guidelines, 2015. Collection method: clinical testing. Allele origin: germline.
Comment: the same text as in the submission from Center for Genomics, Ann and Robert H. Lurie Children's Hospital of Chicago above.